The following is an entry in ClinVar:

NM_001369.3(DNAH5):c.7923_7924dup (p.Thr2642fs)

Gene: DNAH5 (dynein axonemal heavy chain 5; minus strand). Cytogenetic location: 5p15.2.
Variant type: Duplication.
Coding change: c.7923_7924dup on transcript NM_001369.3 (MANE Select); coding-DNA positions 7923 to 7924, 2 bases duplicated (TA; older notation c.7923_7924dupTA).
Protein change: p.Thr2642fs; shifts the reading frame from threonine 2642.
Molecular consequence: frameshift variant.
Genome position (GRCh38, 1-based): chr5:13,794,022-13,794,023, TA duplicated on the plus strand (TA on the coding strand, the reverse complement: DNAH5 is on the minus strand). VCF-style (leftmost placement, unchanged base first): chr5-13794021-G-GTA. GRCh37 (hg19) VCF-style: chr5-13794130-G-GTA.
Other names: short protein forms T2642fs.
Identifiers: ClinVar variation 5013763 (VCV005013763.1).

ClinVar aggregate classification (germline): Pathogenic (1 of 4 stars; one submission).

Conditions:
Primary ciliary dyskinesia 3. Identifiers: Orphanet 244, MedGen C1837618, MONDO:0012085, OMIM 608644.

Submission:

Myriad Genetics, Inc.
Classification: Pathogenic for Primary ciliary dyskinesia 3. Last evaluated: 2024-05-14. Review status: criteria provided, single submitter. Criteria: Myriad Autosomal Dominant, Autosomal Recessive and X-Linked Classification Criteria (2023). Collection method: clinical testing. Allele origin: unknown.
Comment: NM_001369.2(DNAH5):c.7923_7924dupTA(T2642Ifs*12) is expected to be pathogenic in the context of primary ciliary dyskinesia, DNAH5-related. This variant is predicted to lead to an abnormal or absent protein product due to the creation of a premature termination codon in DNAH5, a gene where loss-of-function variants are known to be pathogenic. Please note: this variant was assessed in the context of healthy population screening.